The following is an entry in ClinVar:

ClinVar aggregate classification (germline): Pathogenic (1 of 4 stars; one submission).

Conditions:
Spinal muscular atrophy, type II (SMA2). Also called: MUSCULAR ATROPHY, SPINAL, INFANTILE CHRONIC FORM; MUSCULAR ATROPHY, SPINAL, INTERMEDIATE TYPE; SMA II. Identifiers: Orphanet 70, Orphanet 83418, MedGen C0393538, MONDO:0009673, OMIM 253550.

Submission:

DNA-diagnostics Laboratory, Research Centre For Medical Genetics
Classification: Pathogenic for Spinal muscular atrophy, type II. Last evaluated: 2024-06-04. Review status: criteria provided, single submitter. Criteria: ACMG Guidelines, 2015. Collection method: clinical testing. Allele origin: paternal. Inheritance: Autosomal recessive inheritance. Affected: yes.
Comment: The p.Gln164* variant in the SMN1 gene fulfils the ACMG criteria: PM2, PVS1, PM3, PP4

NM_000344.4(SMN1):c.490C>T (p.Gln164Ter)

Gene: SMN1 (survival of motor neuron 1, telomeric). Cytogenetic location: 5q13.2.
Variant type: single nucleotide variant.
Coding change: c.490C>T on transcript NM_000344.4 (MANE Select); coding-DNA position 490, C replaced by T.
Protein change: p.Gln164Ter; replaces glutamine 164 with a stop codon.
Molecular consequence: nonsense.
Genome position (GRCh38, 1-based): chr5:70,942,733, C>T. VCF-style: chr5-70942733-C-T. GRCh37 (hg19) VCF-style: chr5-70238560-C-T.
Other names: c.490C>T, p.Gln164Ter (NM_001297715.1, NM_022874.2); short protein forms Q164*.
Identifiers: ClinVar variation 3239713 (VCV003239713.1), dbSNP rs1561499713.